The following is an entry in ClinVar:

NM_004444.5(EPHB4):c.2771A>G (p.Tyr924Cys)

Gene: EPHB4 (EPH receptor B4; minus strand). Cytogenetic location: 7q22.1.
Variant type: single nucleotide variant.
Coding change: c.2771A>G on transcript NM_004444.5 (MANE Select); coding-DNA position 2771, A replaced by G.
Protein change: p.Tyr924Cys; replaces tyrosine 924 with cysteine.
Molecular consequence: missense variant.
Genome position (GRCh38, 1-based): chr7:100,805,229, T>C on the plus strand (A>G on the coding strand, the complement: EPHB4 is on the minus strand). VCF-style: chr7-100805229-T-C. GRCh37 (hg19) VCF-style: chr7-100402851-T-C.
Other names: short protein forms Y924C.
Identifiers: ClinVar variation 2450402 (VCV002450402.2), dbSNP rs1402113060, ClinGen allele CA368566551.
Genomic context (GRCh38, chr7:100,805,229, plus strand): 5'-GCAGAGATCTGGCTGACCAGCTCGAAGGAGCCAAAGCCAGCGGCTGCGAAACTTTCTTCG[T>C]ATCTTCCCATTTTGATGGCCCGAAGCCACTCGCCCACAGAGCCAAAAGCTGAGTAGTGAG-3'
Protein context (NP_004435.3, residues 914-934): EWLRAIKMGR[Tyr924Cys]EESFAAAGFG

ClinVar aggregate classification (germline): Uncertain significance (1 of 4 stars; one submission).

Conditions:
Cardiovascular phenotype. Identifiers: MedGen CN230736.

Allele frequency attached by ClinVar (database versions not stated): TOPMed below 0.00001; gnomAD 0.00001.
gnomAD v4.1: 1 of 1,613,394 alleles (0.000062%); highest among the groups gnomAD compares: Non-Finnish European, 0.000085%; no homozygotes.

Submission:

Ambry Genetics
Classification: Uncertain significance for Cardiovascular phenotype. Last evaluated: 2022-12-07. Review status: criteria provided, single submitter. Criteria: Ambry Variant Classification Scheme 2023. Collection method: clinical testing. Allele origin: germline.
Comment: The p.Y924C variant (also known as c.2771A>G), located in coding exon 16 of the EPHB4 gene, results from an A to G substitution at nucleotide position 2771. The tyrosine at codon 924 is replaced by cysteine, an amino acid with highly dissimilar properties. This amino acid position is conserved. In addition, this alteration is predicted to be deleterious by in silico analysis. Since supporting evidence is limited at this time, the clinical significance of this alteration remains unclear.